The following is an entry in ClinVar:

ClinVar aggregate classification (germline): Likely pathogenic (1 of 4 stars; one submission).

Conditions:
Autosomal dominant hypocalcemia 1 (HYPOC1). Also called: HYPOCALCEMIA, FAMILIAL. Identifiers: MedGen C3715128, MONDO:0011013, OMIM 601198.
Familial hypocalciuric hypercalcemia (FHH). Also called: Familial benign hypercalcemia. Identifiers: Orphanet 405, MedGen C1809471, MONDO:0018458.

Submission:

Labcorp Genetics (formerly Invitae), Labcorp
Classification: Likely pathogenic for Familial hypocalciuric hypercalcemia; Autosomal dominant hypocalcemia 1. Last evaluated: 2023-07-07. Review status: criteria provided, single submitter. Criteria: Invitae Variant Classification Sherloc (09022015). Collection method: clinical testing. Allele origin: germline.
Comment: This variant is not present in population databases (gnomAD no frequency). In summary, the currently available evidence indicates that the variant is pathogenic, but additional data are needed to prove that conclusively. Therefore, this variant has been classified as Likely Pathogenic. Algorithms developed to predict the effect of sequence changes on RNA splicing suggest that this variant may disrupt the consensus splice site. This variant has not been reported in the literature in individuals affected with CASR-related conditions. This sequence change affects a donor splice site in intron 5 of the CASR gene. It is expected to disrupt RNA splicing. Variants that disrupt the donor or acceptor splice site typically lead to a loss of protein function (PMID: 16199547), and loss-of-function variants in CASR are known to be pathogenic (PMID: 11807402, 14985373, 22422767).

Literature cited by the submitters: PubMed 16199547; PubMed 11807402; PubMed 14985373; PubMed 22422767.

NM_000388.4(CASR):c.1608+2T>C

Gene: CASR (calcium sensing receptor; plus strand). Cytogenetic location: 3q21.1.
Variant type: single nucleotide variant.
Coding change: c.1608+2T>C on transcript NM_000388.4 (MANE Select); the canonical splice donor site of the intron after coding-DNA position 1608, T replaced by C.
Molecular consequence: splice donor variant.
Genome position (GRCh38, 1-based): chr3:122,276,044, T>C. VCF-style: chr3-122276044-T-C. GRCh37 (hg19) VCF-style: chr3-121994891-T-C.
Other names: c.1608+2T>C (NM_001178065.2).
Identifiers: ClinVar variation 2945187 (VCV002945187.3), dbSNP rs755073303, ClinGen allele CA354155599.